The following is an entry in ClinVar:

NM_000136.3(FANCC):c.686+1G>C

Genes: FANCC (FA complementation group C; minus strand), AOPEP (aminopeptidase O (putative); plus strand). Cytogenetic location: 9q22.32.
Variant type: single nucleotide variant.
Coding change: c.686+1G>C on transcript NM_000136.3 (MANE Select); the canonical splice donor site of the intron after coding-DNA position 686, G replaced by C.
Molecular consequence: splice donor variant.
Genome position (GRCh38, 1-based): chr9:95,149,922, C>G on the plus strand (G>C on the coding strand, the complement: FANCC is on the minus strand). VCF-style: chr9-95149922-C-G. GRCh37 (hg19) VCF-style: chr9-97912204-C-G.
Other names: c.686+1G>C (NM_001243743.2, NM_001243744.2).
Identifiers: ClinVar variation 826669 (VCV000826669.8), dbSNP rs1057517125, ClinGen allele CA374109508.

ClinVar aggregate classification (germline): Likely pathogenic. Review status: criteria provided, multiple submitters, no conflicts (2 of 4 stars). 3 submissions from 3 submitters: Likely pathogenic (3). Last evaluated 2024-09-28.

Conditions:
Fanconi anemia complementation group C (FANCC). Also called: FANCONI PANCYTOPENIA, TYPE 3; FACC; Fanconi anemia, group C; FANCC-Related Fanconi Anemia. Identifiers: Orphanet 84, MedGen C3468041, MONDO:0009213, OMIM 227645.
Hereditary cancer-predisposing syndrome. Also called: Neoplastic Syndromes, Hereditary; Tumor predisposition; Hereditary neoplastic syndrome; Hereditary Cancer Syndrome. Identifiers: Orphanet 140162, MedGen C0027672, MeSH D009386, MONDO:0015356.
Fanconi anemia (FA). Also called: Fanconi's anemia. Identifiers: Orphanet 84, MedGen C0015625, MeSH D005199, MONDO:0019391.

Submissions (3):

Labcorp Genetics (formerly Invitae), Labcorp
Classification: Likely pathogenic for Fanconi anemia. Last evaluated: 2024-09-28. Review status: criteria provided, single submitter. Criteria: Invitae Variant Classification Sherloc (09022015). Collection method: clinical testing. Allele origin: germline.
Comment: This sequence change affects a donor splice site in intron 7 of the FANCC gene. It is expected to disrupt RNA splicing. Variants that disrupt the donor or acceptor splice site typically lead to a loss of protein function (PMID: 16199547), and loss-of-function variants in FANCC are known to be pathogenic (PMID: 17924555). This variant is not present in population databases (gnomAD no frequency). This variant has not been reported in the literature in individuals affected with FANCC-related conditions. ClinVar contains an entry for this variant (Variation ID: 826669). Algorithms developed to predict the effect of sequence changes on RNA splicing suggest that this variant may disrupt the consensus splice site. In summary, the currently available evidence indicates that the variant is pathogenic, but additional data are needed to prove that conclusively. Therefore, this variant has been classified as Likely Pathogenic.

Baylor Genetics
Classification: Likely pathogenic for Fanconi anemia complementation group C. Last evaluated: 2023-05-31. Review status: criteria provided, single submitter. Criteria: ACMG Guidelines, 2015. Collection method: clinical testing. Allele origin: unknown.

Ambry Genetics
Classification: Likely pathogenic for Hereditary cancer-predisposing syndrome. Last evaluated: 2018-11-15. Review status: criteria provided, single submitter. Criteria: Ambry Variant Classification Scheme 2023. Collection method: clinical testing. Allele origin: germline.
Comment: The c.686+1G>C intronic variant results from a G to C substitution one nucleotide after coding exon 6 of the FANCC gene. This nucleotide position is highly conserved in available vertebrate species. Using the BDGP and ESEfinder splice site prediction tools, this alteration is predicted to abolish the native splice donor site; however, direct evidence is unavailable. Alterations that disrupt the canonical splice site are expected to cause aberrant splicing, resulting in an abnormal protein or a transcript that is subject to nonsense-mediated mRNA decay. As such, this alteration is classified as likely pathogenic.

Literature cited by the submitters: PubMed 16199547 (cited by Labcorp Genetics (formerly Invitae), Labcorp); PubMed 17924555 (cited by Labcorp Genetics (formerly Invitae), Labcorp).